The following is an entry in ClinVar:

NM_003579.4(RAD54L):c.72C>G (p.Asp24Glu)

Gene: RAD54L (RAD54 like; plus strand). Cytogenetic location: 1p34.1.
Variant type: single nucleotide variant.
Coding change: c.72C>G on transcript NM_003579.4 (MANE Select); coding-DNA position 72, C replaced by G.
Protein change: p.Asp24Glu; replaces aspartic acid 24 with glutamic acid.
Molecular consequence: missense variant. On other transcripts: 5 prime UTR variant (1).
Genome position (GRCh38, 1-based): chr1:46,248,580, C>G. VCF-style: chr1-46248580-C-G. GRCh37 (hg19) VCF-style: chr1-46714252-C-G.
Other names: c.72C>G, p.Asp24Glu (NM_001142548.2); c.-469C>G (NM_001370766.1); short protein forms D24E.
Identifiers: ClinVar variation 1758181 (VCV001758181.2), dbSNP rs1659714385, ClinGen allele CA340174672.

ClinVar aggregate classification (germline): Uncertain significance (1 of 4 stars; one submission).

Allele frequency attached by ClinVar (database versions not stated): TOPMed 0.00001.
gnomAD v4.1: 4 of 1,614,172 alleles (0.00025%); highest among the groups gnomAD compares: Admixed American, 0.0067%; no homozygotes.

Submission:

Ambry Genetics
Classification: Uncertain significance. Last evaluated: 2024-01-08. Review status: criteria provided, single submitter. Criteria: Ambry Variant Classification Scheme 2023. Collection method: clinical testing. Allele origin: germline.
Comment: The p.D24E variant (also known as c.72C>G), located in coding exon 2 of the RAD54L gene, results from a C to G substitution at nucleotide position 72. The aspartic acid at codon 24 is replaced by glutamic acid, an amino acid with highly similar properties. This amino acid position is conserved. In addition, this alteration is predicted to be tolerated by in silico analysis. Since supporting evidence is limited at this time, the clinical significance of this alteration remains unclear.